The following is an entry in ClinVar:

ClinVar aggregate classification (germline): Pathogenic (1 of 4 stars; one submission).

Conditions:
Sotos syndrome (SOTOS). Also called: CEREBRAL GIGANTISM; Sotos' syndrome; Distinctive facial appearance, overgrowth in childhood, and learning disabilities or delayed development; SOTOS SYNDROME 1; CHROMOSOME 5q35 DELETION SYNDROME. Identifiers: Orphanet 821, MedGen C0175695, MONDO:0019349, OMIM 117550.

Submission:

Clinical Genomics Laboratory, Washington University in St. Louis
Classification: Pathogenic for Sotos syndrome. Last evaluated: 2025-07-27. Review status: criteria provided, single submitter. Criteria: ACMG Guidelines, 2015. Collection method: clinical testing. Allele origin: germline. Affected: yes.
Comment: The NSD1 c.2903del (p.Lys968Argfs*72) variant has not been reported in the medical literature to our knowledge. This variant results in frameshift ultimately leading to a premature termination codon, which is predicted to lead to nonsense mediated decay. This variant is absent from the general population (gnomAD v4.1.0), indicating it is not a common variant. Based on available information, and based on ACMG/AMP guidelines for variant interpretation (Richards S et al., PMID: 25741868), this variant is classified as pathogenic.

NM_022455.5(NSD1):c.2903del (p.Lys968fs)

Gene: NSD1 (nuclear receptor binding SET domain protein 1; plus strand). Cytogenetic location: 5q35.3.
Variant type: Deletion.
Coding change: c.2903del on transcript NM_022455.5 (MANE Select); coding-DNA position 2903, one base deleted (A; older notation c.2903delA).
Protein change: p.Lys968fs; shifts the reading frame from lysine 968.
Molecular consequence: frameshift variant.
Genome position (GRCh38, 1-based): chr5:177,211,302, A deleted; the last of 5 consecutive A bases (chr5:177,211,298-177,211,302); deleting any one gives the same sequence. VCF-style (leftmost placement, unchanged base first): chr5-177211297-GA-G. GRCh37 (hg19) VCF-style: chr5-176638298-GA-G.
Other names: c.2030del, p.Lys677fs (NM_001365684.2, NM_001409306.1, NM_001409307.1 and 3 more transcripts); c.2903del, p.Lys968fs (NM_001409301.1, NM_001409302.1, NM_001409303.1); c.2483del, p.Lys828fs (NM_001409304.1); c.2150del, p.Lys717fs (NM_001409305.1); short protein forms K677fs, K717fs, K828fs, K968fs.
Identifiers: ClinVar variation 4279852 (VCV004279852.1).